The following is an entry in ClinVar:

NM_152263.4(TPM3):c.*4940C>G

Gene: TPM3 (tropomyosin 3; minus strand). Cytogenetic location: 1q21.3.
Variant type: single nucleotide variant.
Coding change: c.*4940C>G on transcript NM_152263.4 (MANE Select); 4940 bases downstream of the stop codon, C replaced by G.
Molecular consequence: 3 prime UTR variant. On other transcripts: intron variant (12).
Genome position (GRCh38, 1-based): chr1:154,162,997, G>C on the plus strand (C>G on the coding strand, the complement: TPM3 is on the minus strand). VCF-style: chr1-154162997-G-C. GRCh37 (hg19) VCF-style: chr1-154135473-G-C.
Other names: c.*4940C>G (NM_001364682.1, NM_001364683.1); c.776-5276C>G (NM_001364679.2, NM_001364680.2); c.776-3949C>G (NM_001364681.2); c.467-5276C>G (NM_001278188.2); c.665-5276C>G (NM_001043351.2, NM_153649.4); c.665-3949C>G (NM_001043353.2, NM_001043352.2); c.744-5276C>G (NM_001349679.2, NM_001278189.2); c.602-5276C>G (NM_001278190.2); and 1 more.
Identifiers: ClinVar variation 292637 (VCV000292637.5), dbSNP rs562373211, ClinGen allele CA10608208.

ClinVar aggregate classification (germline): Likely benign. Review status: criteria provided, single submitter (1 of 4 stars). 2 submissions from 1 submitter: Likely benign (2). Last evaluated 2018-01-12.

Conditions:
Congenital myopathy with fiber type disproportion. Also called: Congenital fiber-type disproportion myopathy; Congenital fiber-type disproportion. Identifiers: Orphanet 2020, MedGen C0546264, MONDO:0009711. Inheritance: all.
Congenital myopathy 4B, autosomal recessive. Also called: Nemaline myopathy 1, autosomal dominant or recessive. Identifiers: Orphanet 171433, Orphanet 171439, Orphanet 171881, MedGen C5829889, MONDO:0012239, OMIM 609284.

Allele frequency attached by ClinVar (database versions not stated): gnomAD 0.00001 and 0.00029; 1000 Genomes Project 0.00260; TOPMed 0.00005; 1000 Genomes Project 30x 0.00250.
gnomAD v4.1: 43 of 152,186 alleles (0.028%); highest among the groups gnomAD compares: South Asian, 0.85%; no homozygotes.

Submissions (2):

Illumina Laboratory Services, Illumina
Classification: Likely benign for Congenital myopathy 4B, autosomal recessive. Last evaluated: 2018-01-12. Review status: criteria provided, single submitter. Criteria: ICSL Variant Classification Criteria 13 December 2019. Collection method: clinical testing. Allele origin: germline.
Comment: This variant was observed in the ICSL laboratory as part of a predisposition screen in an ostensibly healthy population. It had not been previously curated by ICSL or reported in the Human Gene Mutation Database (HGMD: prior to June 1st, 2018), and was therefore a candidate for classification through an automated scoring system. Utilizing variant allele frequency, disease prevalence and penetrance estimates, and inheritance mode, an automated score was calculated to assess if this variant is too frequent to cause the disease. Based on the score and internal cut-off values, a variant classified as likely benign is not then subjected to further curation. The score for this variant resulted in a classification of likely benign for this disease.

Illumina Laboratory Services, Illumina
Classification: Likely benign for Congenital myopathy 4A, autosomal dominant. Last evaluated: 2018-01-12. Review status: criteria provided, single submitter. Criteria: ICSL Variant Classification Criteria 13 December 2019. Collection method: clinical testing. Allele origin: germline.
Comment: the same text as in the submission from Illumina Laboratory Services, Illumina above.